The following is an entry in ClinVar:

NM_004329.3(BMPR1A):c.1370A>G (p.Tyr457Cys)

Gene: BMPR1A (bone morphogenetic protein receptor type 1A; plus strand). Cytogenetic location: 10q23.2.
Variant type: single nucleotide variant.
Coding change: c.1370A>G on transcript NM_004329.3 (MANE Select); coding-DNA position 1370, A replaced by G.
Protein change: p.Tyr457Cys; replaces tyrosine 457 with cysteine.
Molecular consequence: missense variant. On other transcripts: non-coding transcript variant (3).
Genome position (GRCh38, 1-based): chr10:86,923,403, A>G. VCF-style: chr10-86923403-A-G. GRCh37 (hg19) VCF-style: chr10-88683160-A-G.
Other names: c.1370A>G, p.Tyr457Cys (NM_001406565.1, NM_001406566.1, NM_001406567.1 and 19 more transcripts); c.1445A>G, p.Tyr482Cys (NM_001406559.1); c.1418A>G, p.Tyr473Cys (NM_001406560.1); c.1286A>G, p.Tyr429Cys (NM_001406584.1, NM_001406585.1, NM_001406586.1 and 2 more transcripts); c.1028A>G, p.Tyr343Cys (NM_001406589.1); c.1364A>G, p.Tyr455Cys (NM_001406583.1); short protein forms Y429C, Y455C, Y457C, Y473C, Y343C, Y482C.
Identifiers: ClinVar variation 2761107 (VCV002761107.3), dbSNP rs2539648229, ClinGen allele CA377462739.

ClinVar aggregate classification (germline): Uncertain significance (1 of 4 stars; one submission).

Conditions:
Juvenile polyposis syndrome (JPS). Identifiers: Orphanet 2929, MedGen C0345893, MONDO:0017380, OMIM 174900.

Submission:

Labcorp Genetics (formerly Invitae), Labcorp
Classification: Uncertain significance for Juvenile polyposis syndrome. Last evaluated: 2024-01-24. Review status: criteria provided, single submitter. Criteria: Invitae Variant Classification Sherloc (09022015). Collection method: clinical testing. Allele origin: germline.
Comment: This sequence change replaces tyrosine, which is neutral and polar, with cysteine, which is neutral and slightly polar, at codon 457 of the BMPR1A protein (p.Tyr457Cys). This variant is not present in population databases (gnomAD no frequency). This variant has not been reported in the literature in individuals affected with BMPR1A-related conditions. Advanced modeling of protein sequence and biophysical properties (such as structural, functional, and spatial information, amino acid conservation, physicochemical variation, residue mobility, and thermodynamic stability) has been performed at Invitae for this missense variant, however the output from this modeling did not meet the statistical confidence thresholds required to predict the impact of this variant on BMPR1A protein function. In summary, the available evidence is currently insufficient to determine the role of this variant in disease. Therefore, it has been classified as a Variant of Uncertain Significance.